The following is an entry in ClinVar:

NM_002529.4(NTRK1):c.1555G>A (p.Gly519Ser)

Gene: NTRK1 (neurotrophic receptor tyrosine kinase 1; plus strand). Cytogenetic location: 1q23.1.
Variant type: single nucleotide variant.
Coding change: c.1555G>A on transcript NM_002529.4 (MANE Select); coding-DNA position 1555, G replaced by A.
Protein change: p.Gly519Ser; replaces glycine 519 with serine.
Molecular consequence: missense variant.
Genome position (GRCh38, 1-based): chr1:156,876,133, G>A. VCF-style: chr1-156876133-G-A. GRCh37 (hg19) VCF-style: chr1-156845925-G-A.
Other names: c.1555G>A, p.Gly519Ser (NM_001007204.1); c.1447G>A, p.Gly483Ser (NM_001007792.1); c.1537G>A, p.Gly513Ser (NM_001012331.2); short protein forms G513S, G483S, G519S.
Identifiers: ClinVar variation 2109951 (VCV002109951.4), dbSNP rs1571699241, ClinGen allele CA342937971.

ClinVar aggregate classification (germline): Uncertain significance (1 of 4 stars; one submission).

Conditions:
Hereditary insensitivity to pain with anhidrosis (CIPA). Also called: NTRK1 Congenital Insensitivity to Pain with Anhidrosis; INSENSITIVITY TO PAIN, CONGENITAL, WITH ANHIDROSIS; NEUROPATHY, CONGENITAL SENSORY, WITH ANHIDROSIS; hereditary sensory and autonomic neuropathy type 4; FAMILIAL DYSAUTONOMIA, TYPE II; HSAN Type IV. Identifiers: Orphanet 642, MedGen C0020074, MONDO:0009746, OMIM 256800.

Submission:

Labcorp Genetics (formerly Invitae), Labcorp
Classification: Uncertain significance for Hereditary insensitivity to pain with anhidrosis. Last evaluated: 2022-03-12. Review status: criteria provided, single submitter. Criteria: Invitae Variant Classification Sherloc (09022015). Collection method: clinical testing. Allele origin: germline.
Comment: In summary, the available evidence is currently insufficient to determine the role of this variant in disease. Therefore, it has been classified as a Variant of Uncertain Significance. Advanced modeling of protein sequence and biophysical properties (such as structural, functional, and spatial information, amino acid conservation, physicochemical variation, residue mobility, and thermodynamic stability) performed at Invitae indicates that this missense variant is expected to disrupt NTRK1 protein function. This variant has not been reported in the literature in individuals affected with NTRK1-related conditions. This variant is not present in population databases (gnomAD no frequency). This sequence change replaces glycine, which is neutral and non-polar, with serine, which is neutral and polar, at codon 513 of the NTRK1 protein (p.Gly513Ser).